The following is an entry in ClinVar:

ClinVar aggregate classification (germline): Uncertain significance (1 of 4 stars; one submission).

Conditions:
Developmental and epileptic encephalopathy, 1 (DEE1). Also called: Epileptic encephalopathy, early infantile, 1; INFANTILE SPASM SYNDROME, X-LINKED 1; X-linked infantile spasms; West's syndrome; Tonic spasms with clustering, arrest of psychomotor development and hypsarrhythmia on EEG; X-Linked Infantile Spasm Syndrome. Identifiers: MedGen C3463992, MONDO:0010632, OMIM 308350. Disease mechanism: loss of function.
Intellectual disability, X-linked, with or without seizures, ARX-related. Also called: INTELLECTUAL DEVELOPMENTAL DISORDER, X-LINKED 29; MENTAL RETARDATION, X-LINKED 29; MENTAL RETARDATION, X-LINKED 32; MENTAL RETARDATION, X-LINKED 33; MENTAL RETARDATION, X-LINKED 38; MENTAL RETARDATION, X-LINKED 43. Identifiers: Orphanet 777, MedGen C0796244, MONDO:0010317, OMIM 300419.

Submission:

Labcorp Genetics (formerly Invitae), Labcorp
Classification: Uncertain significance for Developmental and epileptic encephalopathy, 1; Intellectual disability, X-linked, with or without seizures, ARX-related. Last evaluated: 2024-02-20. Review status: criteria provided, single submitter. Criteria: Invitae Variant Classification Sherloc (09022015). Collection method: clinical testing. Allele origin: germline.
Comment: This sequence change replaces alanine, which is neutral and non-polar, with glycine, which is neutral and non-polar, at codon 381 of the ARX protein (p.Ala381Gly). This variant is not present in population databases (gnomAD no frequency). This missense change has been observed in individual(s) with clinical features of ARX-related conditions (Invitae). ClinVar contains an entry for this variant (Variation ID: 1715556). Advanced modeling of protein sequence and biophysical properties (such as structural, functional, and spatial information, amino acid conservation, physicochemical variation, residue mobility, and thermodynamic stability) performed at Invitae indicates that this missense variant is expected to disrupt ARX protein function with a positive predictive value of 80%. In summary, the available evidence is currently insufficient to determine the role of this variant in disease. Therefore, it has been classified as a Variant of Uncertain Significance.

NM_139058.3(ARX):c.1142C>G (p.Ala381Gly)

Gene: ARX (aristaless related homeobox; minus strand). Cytogenetic location: Xp21.3.
Variant type: single nucleotide variant.
Coding change: c.1142C>G on transcript NM_139058.3 (MANE Select); coding-DNA position 1142, C replaced by G.
Protein change: p.Ala381Gly; replaces alanine 381 with glycine.
Molecular consequence: missense variant.
Genome position (GRCh38, 1-based): chrX:25,007,417, G>C on the plus strand (C>G on the coding strand, the complement: ARX is on the minus strand). VCF-style: chrX-25007417-G-C. GRCh37 (hg19) VCF-style: chrX-25025534-G-C.
Other names: short protein forms A381G.
Identifiers: ClinVar variation 1715556 (VCV001715556.6), dbSNP rs2519101962, ClinGen allele CA412611643.